The following is an entry in ClinVar:

ClinVar aggregate classification (germline): Uncertain significance (1 of 4 stars; one submission).

Allele frequency attached by ClinVar (database versions not stated): gnomAD exomes below 0.00001; ExAC 0.00001.
gnomAD v4.1: 1 of 1,613,900 alleles (0.000062%); highest among the groups gnomAD compares: South Asian, 0.0011%; no homozygotes.

Submission:

Laboratory for Molecular Medicine, Mass General Brigham Personalized Medicine
Classification: Uncertain significance. Last evaluated: 2012-09-19. Review status: criteria provided, single submitter. Criteria: LMM Criteria. Collection method: clinical testing. Allele origin: germline. Observed: 1 variant allele.
Comment: The Ser626Leu variant in TMPO has not been reported in the literature nor previo usly identified by our laboratory. Computational analyses (biochemical amino aci d properties, conservation, AlignGVGD, PolyPhen2, and SIFT) do not provide stron g support for or against an impact to the protein. Additional information is nee ded to fully assess the clinical significance of the Ser626Leu variant.

NM_001032283.3(TMPO):c.565+2296C>T

Gene: TMPO (thymopoietin; plus strand). Cytogenetic location: 12q23.1.
Variant type: single nucleotide variant.
Coding change: c.565+2296C>T on transcript NM_001032283.3 (MANE Select); 2296 bases into the intron after coding-DNA position 565, C replaced by T.
Molecular consequence: intron variant. On other transcripts: missense variant (1).
Genome position (GRCh38, 1-based): chr12:98,534,134, C>T. VCF-style: chr12-98534134-C-T. GRCh37 (hg19) VCF-style: chr12-98927912-C-T.
Other names: c.1877C>T, p.Ser626Leu (NM_003276.2); c.565+2296C>T (NM_001307975.2, NM_001032284.3); short protein forms S626L.
Identifiers: ClinVar variation 44668 (VCV000044668.5), dbSNP rs397516843, ClinGen allele CA134811.